The following is an entry in ClinVar:

NM_002734.5(PRKAR1A):c.18C>T (p.Thr6=)

Gene: PRKAR1A (protein kinase cAMP-dependent type I regulatory subunit alpha; plus strand). Cytogenetic location: 17q24.2.
Variant type: single nucleotide variant.
Coding change: c.18C>T on transcript NM_002734.5 (MANE Select); coding-DNA position 18, C replaced by T.
Protein change: p.Thr6=; no amino-acid change (threonine 6 retained).
Molecular consequence: synonymous variant.
Genome position (GRCh38, 1-based): chr17:68,515,417, C>T. VCF-style: chr17-68515417-C-T. GRCh37 (hg19) VCF-style: chr17-66511558-C-T.
Other names: c.18C>T, p.Thr6= (NM_001276289.2, NM_001276290.1, NM_001278433.2 and 4 more transcripts).
Identifiers: ClinVar variation 469058 (VCV000469058.19), dbSNP rs755978926, ClinGen allele CA8729137.
Genomic context (GRCh38, chr17:68,515,417, plus strand): 5'-TAGTTTATACAAGCATGTGTGTGTTTTTTTCTCGCAGAGAACCATGGAGTCTGGCAGTAC[C>T]GCCGCCAGTGAGGAGGCACGCAGCCTTCGAGAATGTGAGCTCTACGTCCAGAAGCATAAC-3'
Protein context (NP_002725.1, residues 1-16): MESGS[Thr6=]AASEEARSLR

ClinVar aggregate classification (germline): Likely benign. Review status: criteria provided, multiple submitters, no conflicts (2 of 4 stars). 4 submissions from 4 submitters: Likely benign (3). 1 of the submissions does not count toward it. Last evaluated 2026-01-18.

Conditions:
Hereditary cancer-predisposing syndrome. Also called: Neoplastic Syndromes, Hereditary; Tumor predisposition; Hereditary Cancer Syndrome; Hereditary neoplastic syndrome. Identifiers: Orphanet 140162, MedGen C0027672, MeSH D009386, MONDO:0015356.
PRKAR1A-related disorder. Also called: PRKAR1A-related condition.
Carney complex, type 1 (CNC1). Also called: CARNEY MYXOMA-ENDOCRINE COMPLEX; CARNEY COMPLEX, TYPE I. Identifiers: Orphanet 1359, MedGen C2607929, MONDO:0008057, OMIM 160980.

Allele frequency attached by ClinVar (database versions not stated): TOPMed 0.00001; ExAC 0.00002; gnomAD exomes 0.00002.
gnomAD v4.1: 27 of 1,613,268 alleles (0.0017%); highest among the groups gnomAD compares: East Asian, 0.011%; no homozygotes.

Submissions (4):

Labcorp Genetics (formerly Invitae), Labcorp
Classification: Likely benign for Carney complex, type 1. Last evaluated: 2026-01-18. Review status: criteria provided, single submitter. Criteria: Invitae Variant Classification Sherloc (09022015). Collection method: clinical testing. Allele origin: germline.

Sema4
Classification: Likely benign for Hereditary cancer-predisposing syndrome. Last evaluated: 2021-06-16. Review status: criteria provided, single submitter. Criteria: Sema4 Curation Guidelines. Collection method: curation. Allele origin: germline.

Ambry Genetics
Classification: Likely benign for Hereditary cancer-predisposing syndrome. Last evaluated: 2017-04-24. Review status: criteria provided, single submitter. Criteria: Ambry Variant Classification Scheme 2023. Collection method: clinical testing. Allele origin: germline.

PreventionGenetics, part of Exact Sciences
Classification: Likely benign for PRKAR1A-related condition. Last evaluated: 2019-02-19. Review status: no assertion criteria provided. Collection method: clinical testing. Allele origin: germline. Not counted in ClinVar's aggregate classification.
Comment: This variant is classified as likely benign based on ACMG/AMP sequence variant interpretation guidelines (Richards et al. 2015 PMID: 25741868, with internal and published modifications).